The following is an entry in ClinVar:

NM_002769.5(PRSS1):c.201-1G>A

Genes: PRSS1 (serine protease 1; plus strand), TRB (T cell receptor beta locus; plus strand). Cytogenetic location: 7q34.
Variant type: single nucleotide variant.
Coding change: c.201-1G>A on transcript NM_002769.5 (MANE Select); the canonical splice acceptor site of the intron before coding-DNA position 201, G replaced by A.
Molecular consequence: splice acceptor variant.
Genome position (GRCh38, 1-based): chr7:142,751,773, G>A. VCF-style: chr7-142751773-G-A. GRCh37 (hg19) VCF-style: chr7-142459624-G-A.
Identifiers: ClinVar variation 1055470 (VCV001055470.7), dbSNP rs2116976495, ClinGen allele CA369608320.

ClinVar aggregate classification (germline): Uncertain significance (1 of 4 stars; one submission).

Conditions:
Hereditary pancreatitis (PCTT). Also called: Hereditary chronic pancreatitis; PRSS1-Related Hereditary Pancreatitis. Identifiers: Orphanet 676, MedGen C0238339, MONDO:0008185, OMIM 167800.

Submission:

Labcorp Genetics (formerly Invitae), Labcorp
Classification: Uncertain significance for Hereditary pancreatitis. Last evaluated: 2020-08-03. Review status: criteria provided, single submitter. Criteria: Invitae Variant Classification Sherloc (09022015). Collection method: clinical testing. Allele origin: germline.
Comment: This sequence change affects an acceptor splice site in intron 2 of the PRSS1 gene. It is expected to disrupt RNA splicing and likely results in an absent or disrupted protein product. This variant is not present in population databases (ExAC no frequency). This variant has not been reported in the literature in individuals with PRSS1-related conditions. Algorithms developed to predict the effect of sequence changes on RNA splicing suggest that this variant may disrupt the consensus splice site, but this prediction has not been confirmed by published transcriptional studies. The current clinical and genetic evidence is not sufficient to establish whether loss-of-function variants in PRSS1 cause disease. In summary, the available evidence is currently insufficient to determine the role of this variant in disease. Therefore, it has been classified as a Variant of Uncertain Significance.